The following is an entry in ClinVar:

ClinVar aggregate classification (germline): Uncertain significance (1 of 4 stars; one submission).

Conditions:
Fanconi anemia (FA). Also called: Fanconi's anemia. Identifiers: Orphanet 84, MedGen C0015625, MeSH D005199, MONDO:0019391.

Allele frequency attached by ClinVar (database versions not stated): TOPMed below 0.00001; ExAC 0.00002.
gnomAD v4.1: 11 of 1,614,220 alleles (0.00068%); highest among the groups gnomAD compares: Non-Finnish European, 0.00085%; no homozygotes.

Submission:

Labcorp Genetics (formerly Invitae), Labcorp
Classification: Uncertain significance for Fanconi anemia. Last evaluated: 2023-04-07. Review status: criteria provided, single submitter. Criteria: Invitae Variant Classification Sherloc (09022015). Collection method: clinical testing. Allele origin: germline.
Comment: In summary, the available evidence is currently insufficient to determine the role of this variant in disease. Therefore, it has been classified as a Variant of Uncertain Significance. Algorithms developed to predict the effect of missense changes on protein structure and function output the following: SIFT: "Not Available"; PolyPhen-2: "Benign"; Align-GVGD: "Not Available". The serine amino acid residue is found in multiple mammalian species, which suggests that this missense change does not adversely affect protein function. This sequence change replaces proline, which is neutral and non-polar, with serine, which is neutral and polar, at codon 189 of the SLX4 protein (p.Pro189Ser). This variant is present in population databases (rs757069991, gnomAD 0.002%). This variant has not been reported in the literature in individuals affected with SLX4-related conditions.

NM_032444.4(SLX4):c.565C>T (p.Pro189Ser)

Gene: SLX4 (SLX4 structure-specific endonuclease subunit; minus strand). Cytogenetic location: 16p13.3.
Variant type: single nucleotide variant.
Coding change: c.565C>T on transcript NM_032444.4 (MANE Select); coding-DNA position 565, C replaced by T.
Protein change: p.Pro189Ser; replaces proline 189 with serine.
Molecular consequence: missense variant.
Genome position (GRCh38, 1-based): chr16:3,606,669, G>A on the plus strand (C>T on the coding strand, the complement: SLX4 is on the minus strand). VCF-style: chr16-3606669-G-A. GRCh37 (hg19) VCF-style: chr16-3656670-G-A.
Other names: short protein forms P189S.
Identifiers: ClinVar variation 2835657 (VCV002835657.2), dbSNP rs757069991, ClinGen allele CA7866821.